The following is an entry in ClinVar:

NM_000069.3(CACNA1S):c.205_216del (p.Ala69_Leu72del)

Gene: CACNA1S (calcium voltage-gated channel subunit alpha1 S; minus strand). Cytogenetic location: 1q32.1.
Variant type: Deletion.
Coding change: c.205_216del on transcript NM_000069.3 (MANE Select); coding-DNA positions 205 to 216, 12 bases deleted (GCCGTGTACCTG).
Protein change: p.Ala69_Leu72del.
Molecular consequence: inframe deletion.
Genome position (GRCh38, 1-based): chr1:201,110,206-201,110,217, CAGGTACACGGC deleted on the plus strand (GCCGTGTACCTG on the coding strand, the reverse complement: CACNA1S is on the minus strand); deleting any 12 consecutive bases within chr1:201,110,206-201,110,221 gives the same sequence; the c. name uses the placement nearest the transcript's 3' end. VCF-style (leftmost placement, unchanged base first): chr1-201110205-GCAGGTACACGGC-G. GRCh37 (hg19) VCF-style: chr1-201079333-GCAGGTACACGGC-G.
Identifiers: ClinVar variation 3075079 (VCV003075079.1), dbSNP rs1663045718, ClinGen allele CA1219595797.

ClinVar aggregate classification (germline): Uncertain significance (1 of 4 stars; one submission).

Conditions:
Malignant hyperthermia, susceptibility to, 5 (MHS5). Also called: CACNA1S-Related Malignant Hyperthermia Susceptibility. Identifiers: Orphanet 423, MedGen C1866077, MONDO:0011163, OMIM 601887.

Submission:

All of Us Research Program, National Institutes of Health
Classification: Uncertain significance for Malignant hyperthermia, susceptibility to, 5. Last evaluated: 2023-12-18. Review status: criteria provided, single submitter. Criteria: ACMG Guidelines, 2015. Collection method: clinical testing. Allele origin: germline. Inheritance: Autosomal dominant inheritance. Observed: 3 variant alleles, 3 heterozygotes.
Comment: This variant results in the in-frame deletion of four amino acids in the CACNA1S protein. To our knowledge, functional studies have not been reported for this variant. This variant has not been reported in individuals affected with CACNA1S-related disorders in the literature. This variant has not been identified in the general population by the Genome Aggregation Database (gnomAD). The available evidence is insufficient to determine the role of this variant in disease conclusively. Therefore, this variant is classified as a Variant of Uncertain Significance.

This study involves interpretation of variants in research participants for the purpose of population health screening. Participant phenotype was not available at the time of variant classification. Additional details can be found in publication PMID: 35346344, PMCID: PMC8962531